The following is an entry in ClinVar:

ClinVar aggregate classification (germline): Benign/Likely benign. Review status: criteria provided, multiple submitters, no conflicts (2 of 4 stars). 3 submissions from 3 submitters: Benign (2); Likely benign (1). Last evaluated 2026-09-12.

Conditions:
RYR3-related disorder. Also called: RYR3-related condition.
Epileptic encephalopathy. Identifiers: MedGen C0543888, HP:0200134.

Allele frequency attached by ClinVar (database versions not stated): ESP Exome Variant Server 0.00008; gnomAD 0.00222 and 0.00326; gnomAD exomes 0.00223 and 0.00622; TOPMed 0.00365; ExAC 0.00615; 1000 Genomes Project 30x 0.01733; 1000 Genomes Project 0.01877.
gnomAD v4.1: 3,892 of 1,613,838 alleles (0.24%); highest among the groups gnomAD compares: East Asian, 7.3%; 155 homozygotes.

Submissions (3):

PreventionGenetics, part of Exact Sciences
Classification: Likely benign for RYR3-related condition. Last evaluated: 2026-09-12. Review status: criteria provided, single submitter. Criteria: ACMG Guidelines, 2015. Collection method: clinical testing. Allele origin: germline.
Comment: This variant is classified as likely benign based on ACMG/AMP sequence variant interpretation guidelines (Richards et al. 2015 PMID: 25741868, with internal and published modifications).

Labcorp Genetics (formerly Invitae), Labcorp
Classification: Benign for Epileptic encephalopathy. Last evaluated: 2026-01-15. Review status: criteria provided, single submitter. Criteria: Invitae Variant Classification Sherloc (09022015). Collection method: clinical testing. Allele origin: germline.

Breakthrough Genomics
Classification: Benign. Review status: criteria provided, single submitter. Criteria: ACMG Guidelines, 2015. Collection method: not provided. Allele origin: germline. Inheritance: Unknown mechanism. Affected: yes.

NM_001036.6(RYR3):c.1073T>C (p.Ile358Thr)

Gene: RYR3 (ryanodine receptor 3; plus strand). Cytogenetic location: 15q14.
Variant type: single nucleotide variant.
Coding change: c.1073T>C on transcript NM_001036.6 (MANE Select); coding-DNA position 1073, T replaced by C.
Protein change: p.Ile358Thr; replaces isoleucine 358 with threonine.
Molecular consequence: missense variant.
Genome position (GRCh38, 1-based): chr15:33,562,937, T>C. VCF-style: chr15-33562937-T-C. GRCh37 (hg19) VCF-style: chr15-33855138-T-C.
Other names: c.1073T>C, p.Ile358Thr (NM_001243996.4); short protein forms I358T.
Identifiers: ClinVar variation 461830 (VCV000461830.13), dbSNP rs2304380, ClinGen allele CA7458010.
Genomic context (GRCh38, chr15:33,562,937, plus strand): 5'-TAGAAGGCATGGGAGTTCCAGAAATCAAGTATGGAGATTCTGTCTGCTTTGTGCAGCATA[T>C]AGCCAGTGGTCTGTGGGTGACCTACAAAGCACAAGACGCCAAAACTTCCCGCCTGGGACC-3'
Protein context (NP_001027.3, residues 348-368): YGDSVCFVQH[Ile358Thr]ASGLWVTYKA